The following is an entry in ClinVar:

NM_017637.6(BNC2):c.1024G>A (p.Gly342Arg)

Gene: BNC2 (basonuclin zinc finger protein 2; minus strand). Cytogenetic location: 9p22.3.
Variant type: single nucleotide variant.
Coding change: c.1024G>A on transcript NM_017637.6 (MANE Select); coding-DNA position 1024, G replaced by A.
Protein change: p.Gly342Arg; replaces glycine 342 with arginine.
Molecular consequence: missense variant.
Genome position (GRCh38, 1-based): chr9:16,437,170, C>T on the plus strand (G>A on the coding strand, the complement: BNC2 is on the minus strand). VCF-style: chr9-16437170-C-T. GRCh37 (hg19) VCF-style: chr9-16437168-C-T.
Other names: c.898G>A, p.Gly300Arg (NM_001317939.2); c.739G>A, p.Gly247Arg (NM_001317940.2); short protein forms G300R, G247R, G342R.
Identifiers: ClinVar variation 2130624 (VCV002130624.4), dbSNP rs1167947550, ClinGen allele CA372994984.
Genomic context (GRCh38, chr9:16,437,170, plus strand): 5'-CATTCTGAGTTGAAAGGCTGGGTTCCCGCAGCCTCAACCCTGGTTGCTCTAACAGTAGCC[C>T]ATTTGGAGGCAACCCTAGCAGTGGTGCTGAGACAGGGTTTATGTACTGGAATGGAAGCAG-3'
Protein context (NP_060107.3, residues 332-352): SAPLLGLPPN[Gly342Arg]LLLEQPGLRL

ClinVar aggregate classification (germline): Uncertain significance (1 of 4 stars; one submission).

Submission:

Labcorp Genetics (formerly Invitae), Labcorp
Classification: Uncertain significance. Last evaluated: 2022-04-26. Review status: criteria provided, single submitter. Criteria: Invitae Variant Classification Sherloc (09022015). Collection method: clinical testing. Allele origin: germline.
Comment: In summary, the available evidence is currently insufficient to determine the role of this variant in disease. Therefore, it has been classified as a Variant of Uncertain Significance. Algorithms developed to predict the effect of missense changes on protein structure and function (SIFT, PolyPhen-2, Align-GVGD) all suggest that this variant is likely to be tolerated. This variant has not been reported in the literature in individuals affected with BNC2-related conditions. This variant is not present in population databases (gnomAD no frequency). This sequence change replaces glycine, which is neutral and non-polar, with arginine, which is basic and polar, at codon 342 of the BNC2 protein (p.Gly342Arg).